The following is an entry in ClinVar:

NM_001369.3(DNAH5):c.4748C>A (p.Ala1583Asp)

Genes: DNAH5 (dynein axonemal heavy chain 5; minus strand), DNAH5-AS1 (DNAH5 antisense RNA 1; plus strand). Cytogenetic location: 5p15.2.
Variant type: single nucleotide variant.
Coding change: c.4748C>A on transcript NM_001369.3 (MANE Select); coding-DNA position 4748, C replaced by A.
Protein change: p.Ala1583Asp; replaces alanine 1583 with aspartic acid.
Molecular consequence: missense variant.
Genome position (GRCh38, 1-based): chr5:13,862,596, G>T on the plus strand (C>A on the coding strand, the complement: DNAH5 is on the minus strand). VCF-style: chr5-13862596-G-T. GRCh37 (hg19) VCF-style: chr5-13862705-G-T.
Other names: short protein forms A1583D.
Identifiers: ClinVar variation 2181907 (VCV002181907.4), dbSNP rs2546973378, ClinGen allele CA359221715.
Genomic context (GRCh38, chr5:13,862,596, plus strand): 5'-TGGTTTTCCCACCTGTTGCTCAGTAGGGATCCCAGCAACATCAAGCTGTCCTCCATGTTG[G>T]CGATGATTTCCGAGGTACTGTCTCCTCTCAAGAGGAGCTCTCCACGGGTTTTAAAGCTGC-3'
Protein context (NP_001360.1, residues 1573-1593): LRGDSTSEII[Ala1583Asp]NMEDSLMLLG

ClinVar aggregate classification (germline): Uncertain significance (1 of 4 stars; one submission).

Conditions:
Primary ciliary dyskinesia. Also called: Ciliary dyskinesia. Identifiers: Orphanet 244, MedGen C0008780, MONDO:0016575, HP:0012265.

Submission:

Labcorp Genetics (formerly Invitae), Labcorp
Classification: Uncertain significance for Primary ciliary dyskinesia. Last evaluated: 2024-10-21. Review status: criteria provided, single submitter. Criteria: Invitae Variant Classification Sherloc (09022015). Collection method: clinical testing. Allele origin: germline.
Comment: This sequence change replaces alanine, which is neutral and non-polar, with aspartic acid, which is acidic and polar, at codon 1583 of the DNAH5 protein (p.Ala1583Asp). This variant is not present in population databases (gnomAD no frequency). This variant has not been reported in the literature in individuals affected with DNAH5-related conditions. ClinVar contains an entry for this variant (Variation ID: 2181907). Invitae Evidence Modeling of protein sequence and biophysical properties (such as structural, functional, and spatial information, amino acid conservation, physicochemical variation, residue mobility, and thermodynamic stability) indicates that this missense variant is not expected to disrupt DNAH5 protein function with a negative predictive value of 95%. In summary, the available evidence is currently insufficient to determine the role of this variant in disease. Therefore, it has been classified as a Variant of Uncertain Significance.